The following is an entry in ClinVar:

NM_000215.4(JAK3):c.1929G>A (p.Leu643=)

Gene: JAK3 (Janus kinase 3; minus strand). Cytogenetic location: 19p13.11.
Variant type: single nucleotide variant.
Coding change: c.1929G>A on transcript NM_000215.4 (MANE Select); coding-DNA position 1929, G replaced by A.
Protein change: p.Leu643=; no amino-acid change (leucine 643 retained).
Molecular consequence: synonymous variant.
Genome position (GRCh38, 1-based): chr19:17,835,201, C>T on the plus strand (G>A on the coding strand, the complement: JAK3 is on the minus strand). VCF-style: chr19-17835201-C-T. GRCh37 (hg19) VCF-style: chr19-17946010-C-T.
Identifiers: ClinVar variation 328508 (VCV000328508.21), dbSNP rs138645044, ClinGen allele CA9301717.

ClinVar aggregate classification (germline): Conflicting classifications of pathogenicity. Review status: criteria provided, conflicting classifications (1 of 4 stars). 5 submissions from 5 submitters: Uncertain significance (1); Likely benign (4). Last evaluated 2026-02-01.

Conditions:
T-B+ severe combined immunodeficiency due to JAK3 deficiency. Also called: SCID, T CELL-NEGATIVE, B CELL-POSITIVE, NK CELL-NEGATIVE; SCID, autosomal recessive, T-negative/B-positive type. Identifiers: Orphanet 35078, MedGen C1833275, MONDO:0010938, OMIM 600802.

Allele frequency attached by ClinVar (database versions not stated): ExAC 0.00097; gnomAD exomes 0.00099 and 0.00128; TOPMed 0.00102; gnomAD 0.00106 and 0.00119; ESP Exome Variant Server 0.00146.
gnomAD v4.1: 2,029 of 1,613,996 alleles (0.13%); highest among the groups gnomAD compares: Non-Finnish European, 0.15%; 4 homozygotes.

Submissions (5):

Labcorp Genetics (formerly Invitae), Labcorp
Classification: Likely benign for T-B+ severe combined immunodeficiency due to JAK3 deficiency. Last evaluated: 2026-02-01. Review status: criteria provided, single submitter. Criteria: Invitae Variant Classification Sherloc (09022015). Collection method: clinical testing. Allele origin: germline.

CeGaT Center for Human Genetics Tuebingen
Classification: Likely benign. Last evaluated: 2026-01-01. Review status: criteria provided, single submitter. Criteria: CeGaT Center For Human Genetics Tuebingen Variant Classification Criteria Version 2. Collection method: clinical testing. Allele origin: germline. Affected: yes. Observed: 1 variant allele.
Comment: JAK3: BP4, BP7

Blueprint Genetics
Classification: Likely benign. Last evaluated: 2024-11-27. Review status: criteria provided, single submitter. Criteria: ACMG Guidelines, 2015. Collection method: clinical testing. Allele origin: germline.

Illumina Laboratory Services, Illumina
Classification: Uncertain significance for T-B+ severe combined immunodeficiency due to JAK3 deficiency. Last evaluated: 2018-01-12. Review status: criteria provided, single submitter. Criteria: ICSL Variant Classification Criteria 13 December 2019. Collection method: clinical testing. Allele origin: germline.

Women's Health and Genetics/Laboratory Corporation of America, LabCorp
Classification: Likely benign. Last evaluated: 2016-07-18. Review status: criteria provided, single submitter. Criteria: LabCorp Variant Classification Summary - May 2015. Collection method: clinical testing. Allele origin: germline.
Comment: Variant summary: The JAK3 c.1929G>A (p.Leu643Leu) variant involves the alteration of a non-conserved nucleotide, resulting in a synonymous change. 4/5 splice prediction tools predict no significant impact on normal splicing. ESE finder predicts that this variant may affect ESE site of SRp40 and SC35. However, these predictions have yet to be confirmed by functional studies. This variant was found in 115/118248 control chromosomes, predominantly observed in the European (Non-Finnish) subpopulation at a frequency of 0.0016161 (105/64972). This frequency is about 1.5 times greater than the estimated maximal expected allele frequency of a pathogenic JAK3 variant (0.0010801), suggesting this is likely a benign polymorphism found primarily in the populations of European (Non-Finnish) origin. The variant of interest has not, to our knowledge, been reported in affected individuals via publications and/or reputable databases/clinical diagnostic laboratories. Taken together, this variant is classified as Probable Normal Variant (or Likely Benign).